The following is an entry in ClinVar:

ClinVar aggregate classification (germline): Uncertain significance (1 of 4 stars; one submission).

Conditions:
Developmental and epileptic encephalopathy, 23 (DEE23). Also called: Epileptic encephalopathy, early infantile, 23. Identifiers: Orphanet 411986, MedGen C4014492, MONDO:0014371, OMIM 615859.

Allele frequency attached by ClinVar (database versions not stated): gnomAD exomes 0.00001.
gnomAD v4.1: 13 of 1,613,850 alleles (0.00081%); highest among the groups gnomAD compares: Non-Finnish European, 0.0011%; no homozygotes.

Submission:

Labcorp Genetics (formerly Invitae), Labcorp
Classification: Uncertain significance for Developmental and epileptic encephalopathy, 23. Last evaluated: 2020-10-05. Review status: criteria provided, single submitter. Criteria: Invitae Variant Classification Sherloc (09022015). Collection method: clinical testing. Allele origin: germline.
Comment: This sequence change replaces histidine with arginine at codon 1973 of the DOCK7 protein (p.His1973Arg). The histidine residue is highly conserved and there is a small physicochemical difference between histidine and arginine. This variant is not present in population databases (ExAC no frequency). This variant has not been reported in the literature in individuals with DOCK7-related conditions. Algorithms developed to predict the effect of missense changes on protein structure and function (SIFT, PolyPhen-2, Align-GVGD) all suggest that this variant is likely to be tolerated, but these predictions have not been confirmed by published functional studies and their clinical significance is uncertain. In summary, the available evidence is currently insufficient to determine the role of this variant in disease. Therefore, it has been classified as a Variant of Uncertain Significance.

NM_001367561.1(DOCK7):c.5951A>G (p.His1984Arg)

Gene: DOCK7 (dedicator of cytokinesis 7; minus strand). Cytogenetic location: 1p31.3.
Variant type: single nucleotide variant.
Coding change: c.5951A>G on transcript NM_001367561.1 (MANE Select); coding-DNA position 5951, A replaced by G.
Protein change: p.His1984Arg; replaces histidine 1984 with arginine.
Molecular consequence: missense variant.
Genome position (GRCh38, 1-based): chr1:62,475,717, T>C on the plus strand (A>G on the coding strand, the complement: DOCK7 is on the minus strand). VCF-style: chr1-62475717-T-C. GRCh37 (hg19) VCF-style: chr1-62941388-T-C.
Other names: c.5918A>G, p.His1973Arg (NM_001271999.2); c.5831A>G, p.His1944Arg (NM_001272000.2); c.5825A>G, p.His1942Arg (NM_001272001.2); c.5924A>G, p.His1975Arg (NM_001330614.2); c.5858A>G, p.His1953Arg (NM_033407.4); short protein forms H1942R, H1953R, H1973R, H1975R, H1944R, H1984R.
Identifiers: ClinVar variation 1040232 (VCV001040232.8), dbSNP rs1645950861, ClinGen allele CA340602760.
Genomic context (GRCh38, chr1:62,475,717, plus strand): 5'-GCTTGAATGTATTTGCTTCACTAATGCTGTTTGCCCATTAATGGACTTACCTCTTCTTTA[T>C]GAGTGACATTGACCCTTGTTTTAATATAAGGAAAGGCATGAGACGTAGTCAGAATGGTCT-3'
Protein context (NP_001354490.1, residues 1974-1994): PYIKTRVNVT[His1984Arg]KEEIILTPIE